The following is an entry in ClinVar:

ClinVar aggregate classification (germline): Benign/Likely benign. Review status: criteria provided, multiple submitters, no conflicts (2 of 4 stars). 3 submissions from 2 submitters: Benign (1); Likely benign (2). Last evaluated 2018-01-13.

Conditions:
Autosomal dominant hypophosphatemic rickets (ADHR). Also called: HYPOPHOSPHATEMIA, AUTOSOMAL DOMINANT; VITAMIN D-RESISTANT RICKETS, AUTOSOMAL DOMINANT. Identifiers: Orphanet 89937, MedGen C0342642, MONDO:0008660, OMIM 193100.
Tumoral calcinosis, hyperphosphatemic, familial, 2. Identifiers: MedGen C4693863, MONDO:0060714, OMIM 617993.

Allele frequency attached by ClinVar (database versions not stated): 1000 Genomes Project 30x 0.00047; 1000 Genomes Project 0.00060; ESP Exome Variant Server 0.00115; gnomAD 0.00140 and 0.00157; TOPMed 0.00168; ExAC 0.00253; gnomAD exomes 0.00258.
gnomAD v4.1: 2,958 of 1,601,622 alleles (0.18%); highest among the groups gnomAD compares: South Asian, 0.72%; 20 homozygotes.

Submissions (3):

Illumina Laboratory Services, Illumina
Classification: Likely benign for Tumoral calcinosis, hyperphosphatemic, familial, 2. Last evaluated: 2018-01-13. Review status: criteria provided, single submitter. Criteria: ICSL Variant Classification Criteria 13 December 2019. Collection method: clinical testing. Allele origin: germline.
Comment: This variant was observed in the ICSL laboratory as part of a predisposition screen in an ostensibly healthy population. It had not been previously curated by ICSL or reported in the Human Gene Mutation Database (HGMD: prior to June 1st, 2018), and was therefore a candidate for classification through an automated scoring system. Utilizing variant allele frequency, disease prevalence and penetrance estimates, and inheritance mode, an automated score was calculated to assess if this variant is too frequent to cause the disease. Based on the score and internal cut-off values, a variant classified as likely benign is not then subjected to further curation. The score for this variant resulted in a classification of likely benign for this disease.

Illumina Laboratory Services, Illumina
Classification: Benign for Autosomal dominant hypophosphatemic rickets. Last evaluated: 2018-01-13. Review status: criteria provided, single submitter. Criteria: ICSL Variant Classification Criteria 13 December 2019. Collection method: clinical testing. Allele origin: germline.
Comment: This variant was observed in the ICSL laboratory as part of a predisposition screen in an ostensibly healthy population. It had not been previously curated by ICSL or reported in the Human Gene Mutation Database (HGMD: prior to June 1st, 2018), and was therefore a candidate for classification through an automated scoring system. Utilizing variant allele frequency, disease prevalence and penetrance estimates, and inheritance mode, an automated score was calculated to assess if this variant is too frequent to cause the disease. Based on the score and internal cut-off values, a variant classified as benign is not then subjected to further curation. The score for this variant resulted in a classification of benign for this disease.

Breakthrough Genomics
Classification: Likely benign. Review status: criteria provided, single submitter. Criteria: ACMG Guidelines, 2015. Collection method: not provided. Allele origin: germline. Inheritance: Autosomal recessive inheritance. Affected: yes.

NM_020638.3(FGF23):c.*29C>G

Gene: FGF23 (fibroblast growth factor 23; minus strand). Cytogenetic location: 12p13.32.
Variant type: single nucleotide variant.
Coding change: c.*29C>G on transcript NM_020638.3 (MANE Select); 29 bases downstream of the stop codon, C replaced by G.
Molecular consequence: 3 prime UTR variant.
Genome position (GRCh38, 1-based): chr12:4,370,314, G>C on the plus strand (C>G on the coding strand, the complement: FGF23 is on the minus strand). VCF-style: chr12-4370314-G-C. GRCh37 (hg19) VCF-style: chr12-4479480-G-C.
Identifiers: ClinVar variation 308800 (VCV000308800.6), dbSNP rs71534281, ClinGen allele CA6395599.